The following is an entry in ClinVar:

NM_001034850.3(RETREG1):c.428G>A (p.Gly143Asp)

Gene: RETREG1 (reticulophagy regulator 1; minus strand). Cytogenetic location: 5p15.1.
Variant type: single nucleotide variant.
Coding change: c.428G>A on transcript NM_001034850.3 (MANE Select); coding-DNA position 428, G replaced by A.
Protein change: p.Gly143Asp; replaces glycine 143 with aspartic acid.
Molecular consequence: missense variant.
Genome position (GRCh38, 1-based): chr5:16,565,793, C>T on the plus strand (G>A on the coding strand, the complement: RETREG1 is on the minus strand). VCF-style: chr5-16565793-C-T. GRCh37 (hg19) VCF-style: chr5-16565902-C-T.
Other names: short protein forms G143D.
Identifiers: ClinVar variation 658362 (VCV000658362.10), dbSNP rs1579689193, ClinGen allele CA359292300.

ClinVar aggregate classification (germline): Uncertain significance (1 of 4 stars; one submission).

Submission:

Labcorp Genetics (formerly Invitae), Labcorp
Classification: Uncertain significance. Last evaluated: 2022-11-01. Review status: criteria provided, single submitter. Criteria: Invitae Variant Classification Sherloc (09022015). Collection method: clinical testing. Allele origin: germline.
Comment: In summary, the available evidence is currently insufficient to determine the role of this variant in disease. Therefore, it has been classified as a Variant of Uncertain Significance. Algorithms developed to predict the effect of missense changes on protein structure and function are either unavailable or do not agree on the potential impact of this missense change (SIFT: "Deleterious"; PolyPhen-2: "Probably Damaging"; Align-GVGD: "Class C0"). ClinVar contains an entry for this variant (Variation ID: 658362). This variant has not been reported in the literature in individuals affected with FAM134B-related conditions. This variant is not present in population databases (gnomAD no frequency). This sequence change replaces glycine, which is neutral and non-polar, with aspartic acid, which is acidic and polar, at codon 143 of the FAM134B protein (p.Gly143Asp).